The following is an entry in ClinVar:

NM_002691.4(POLD1):c.2035G>A (p.Asp679Asn)

Gene: POLD1 (DNA polymerase delta 1, catalytic subunit; plus strand). Cytogenetic location: 19q13.33.
Variant type: single nucleotide variant.
Coding change: c.2035G>A on transcript NM_002691.4 (MANE Select); coding-DNA position 2035, G replaced by A.
Protein change: p.Asp679Asn; replaces aspartic acid 679 with asparagine.
Molecular consequence: missense variant. On other transcripts: non-coding transcript variant (1).
Genome position (GRCh38, 1-based): chr19:50,409,547, G>A. VCF-style: chr19-50409547-G-A. GRCh37 (hg19) VCF-style: chr19-50912804-G-A.
Other names: c.2035G>A, p.Asp679Asn (NM_001256849.1); c.2113G>A, p.Asp705Asn (NM_001308632.1); short protein forms D679N, D705N.
Identifiers: ClinVar variation 2093021 (VCV002093021.4), dbSNP rs2039020026, ClinGen allele CA406982494.

ClinVar aggregate classification (germline): Uncertain significance (1 of 4 stars; one submission).

Conditions:
POLD1-related polyposis and colorectal cancer syndrome (CRCS10). Also called: Colorectal cancer 10; COLORECTAL CANCER, SUSCEPTIBILITY TO, ON CHROMOSOME 19q; Colorectal cancer, susceptibility to, 10. Identifiers: Orphanet 220460, MedGen C2675481, MONDO:0012953, OMIM 612591.

Submission:

Labcorp Genetics (formerly Invitae), Labcorp
Classification: Uncertain significance for POLD1-related polyposis and colorectal cancer syndrome. Last evaluated: 2022-02-04. Review status: criteria provided, single submitter. Criteria: Invitae Variant Classification Sherloc (09022015). Collection method: clinical testing. Allele origin: germline.
Comment: This sequence change replaces aspartic acid, which is acidic and polar, with asparagine, which is neutral and polar, at codon 679 of the POLD1 protein (p.Asp679Asn). This variant is not present in population databases (gnomAD no frequency). This variant has not been reported in the literature in individuals affected with POLD1-related conditions. Algorithms developed to predict the effect of missense changes on protein structure and function are either unavailable or do not agree on the potential impact of this missense change (SIFT: "Deleterious"; PolyPhen-2: "Possibly Damaging"; Align-GVGD: "Class C15"). In summary, the available evidence is currently insufficient to determine the role of this variant in disease. Therefore, it has been classified as a Variant of Uncertain Significance.